The following is an entry in ClinVar:

ClinVar aggregate classification (germline): Conflicting classifications of pathogenicity. Review status: criteria provided, conflicting classifications (1 of 4 stars). 3 submissions from 3 submitters: Uncertain significance (1); Likely benign (2). Last evaluated 2025-10-13.

Conditions:
Hereditary cancer-predisposing syndrome. Also called: Neoplastic Syndromes, Hereditary; Tumor predisposition; Hereditary Cancer Syndrome; Hereditary neoplastic syndrome. Identifiers: Orphanet 140162, MedGen C0027672, MeSH D009386, MONDO:0015356.
Tuberous sclerosis 2 (TSC2). Identifiers: Orphanet 805, MedGen C1860707, MONDO:0013199, OMIM 613254.

Allele frequency attached by ClinVar (database versions not stated): gnomAD exomes below 0.00001; TOPMed below 0.00001; gnomAD 0.00001.
gnomAD v4.1: 4 of 1,612,482 alleles (0.00025%); highest among the groups gnomAD compares: Non-Finnish European, 0.00034%; no homozygotes.

Submissions (3):

Labcorp Genetics (formerly Invitae), Labcorp
Classification: Likely benign for Tuberous sclerosis 2. Last evaluated: 2025-10-13. Review status: criteria provided, single submitter. Criteria: Invitae Variant Classification Sherloc (09022015). Collection method: clinical testing. Allele origin: germline.

Ambry Genetics
Classification: Uncertain significance for Hereditary cancer-predisposing syndrome. Last evaluated: 2024-07-24. Review status: criteria provided, single submitter. Criteria: Ambry Variant Classification Scheme 2023. Collection method: clinical testing. Allele origin: germline.
Comment: The p.E1692D variant (also known as c.5076G>C), located in coding exon 39 of the TSC2 gene, results from a G to C substitution at nucleotide position 5076. The glutamic acid at codon 1692 is replaced by aspartic acid, an amino acid with highly similar properties. This amino acid position is highly conserved in available vertebrate species. In addition, the in silico prediction for this alteration is inconclusive. Since supporting evidence is limited at this time, the clinical significance of this alteration remains unclear.

Genome-Nilou Lab
Classification: Likely benign for Tuberous sclerosis 2. Last evaluated: 2021-11-07. Review status: criteria provided, single submitter. Criteria: ACMG Guidelines, 2015. Collection method: clinical testing. Allele origin: germline. Affected: no.

NM_000548.5(TSC2):c.5076G>C (p.Glu1692Asp)

Gene: TSC2 (TSC complex subunit 2; plus strand). Cytogenetic location: 16p13.3.
Variant type: single nucleotide variant.
Coding change: c.5076G>C on transcript NM_000548.5 (MANE Select); coding-DNA position 5076, G replaced by C.
Protein change: p.Glu1692Asp; replaces glutamic acid 1692 with aspartic acid.
Molecular consequence: missense variant.
Genome position (GRCh38, 1-based): chr16:2,088,055, G>C. VCF-style: chr16-2088055-G-C. GRCh37 (hg19) VCF-style: chr16-2138056-G-C.
Other names: c.4875G>C, p.Glu1625Asp (NM_001077183.3); c.5007G>C, p.Glu1669Asp (NM_001114382.3); c.4767G>C, p.Glu1589Asp (NM_001318827.2); c.4731G>C, p.Glu1577Asp (NM_001318829.2); c.4344G>C, p.Glu1448Asp (NM_001318831.2); c.4908G>C, p.Glu1636Asp (NM_001318832.2); c.4878G>C, p.Glu1626Asp (NM_001363528.2); c.4944G>C, p.Glu1648Asp (NM_001370404.1); and 1 more; short protein forms E1692D, E1625D, E1626D, E1649D, E1669D, E1448D, E1577D, E1589D.
Identifiers: ClinVar variation 535926 (VCV000535926.19), dbSNP rs1358186613, ClinGen allele CA394311952.